The following is an entry in ClinVar:

NM_002769.5(PRSS1):c.731C>T (p.Ala244Val)

Genes: PRSS1 (serine protease 1; plus strand), TRB (T cell receptor beta locus; plus strand). Cytogenetic location: 7q34.
Variant type: single nucleotide variant.
Coding change: c.731C>T on transcript NM_002769.5 (MANE Select); coding-DNA position 731, C replaced by T.
Protein change: p.Ala244Val; replaces alanine 244 with valine.
Molecular consequence: missense variant. On other transcripts: non-coding transcript variant (5).
Genome position (GRCh38, 1-based): chr7:142,753,007, C>T. VCF-style: chr7-142753007-C-T. GRCh37 (hg19) VCF-style: chr7-142460858-C-T.
Other names: short protein forms A244V.
Identifiers: ClinVar variation 1758298 (VCV001758298.8), dbSNP rs763496896, ClinGen allele CA4530152.

ClinVar aggregate classification (germline): Uncertain significance. Review status: criteria provided, multiple submitters, no conflicts (2 of 4 stars). 2 submissions from 2 submitters: Uncertain significance (2). Last evaluated 2025-12-14.

Conditions:
Hereditary pancreatitis (PCTT). Also called: Hereditary chronic pancreatitis; PRSS1-Related Hereditary Pancreatitis. Identifiers: Orphanet 676, MedGen C0238339, MONDO:0008185, OMIM 167800.

Allele frequency attached by ClinVar (database versions not stated): gnomAD exomes below 0.00001; ExAC 0.00002.

Submissions (2):

Ambry Genetics
Classification: Uncertain significance for Hereditary pancreatitis. Last evaluated: 2025-12-14. Review status: criteria provided, single submitter. Criteria: Ambry Variant Classification Scheme 2023. Collection method: clinical testing. Allele origin: germline.
Comment: The p.A244V variant (also known as c.731C>T), located in coding exon 5 of the PRSS1 gene, results from a C to T substitution at nucleotide position 731. The alanine at codon 244 is replaced by valine, an amino acid with similar properties. This amino acid position is conserved. In addition, the in silico prediction for this alteration is inconclusive. Since supporting evidence is limited at this time, the clinical significance of this alteration remains unclear.

Labcorp Genetics (formerly Invitae), Labcorp
Classification: Uncertain significance for Hereditary pancreatitis. Last evaluated: 2025-03-29. Review status: criteria provided, single submitter. Criteria: Invitae Variant Classification Sherloc (09022015). Collection method: clinical testing. Allele origin: germline.
Comment: This sequence change replaces alanine, which is neutral and non-polar, with valine, which is neutral and non-polar, at codon 244 of the PRSS1 protein (p.Ala244Val). The frequency data for this variant in the population databases is considered unreliable, as metrics indicate poor data quality at this position in the gnomAD database. This variant has not been reported in the literature in individuals affected with PRSS1-related conditions. ClinVar contains an entry for this variant (Variation ID: 1758298). An algorithm developed to predict the effect of missense changes on protein structure and function outputs the following: PolyPhen-2: "Benign". The valine amino acid residue is found in multiple mammalian species, which suggests that this missense change does not adversely affect protein function. In summary, the available evidence is currently insufficient to determine the role of this variant in disease. Therefore, it has been classified as a Variant of Uncertain Significance.